The following is an entry in ClinVar:

NM_018249.6(CDK5RAP2):c.3523C>T (p.His1175Tyr)

Gene: CDK5RAP2 (CDK5 regulatory subunit associated protein 2; minus strand). Cytogenetic location: 9q33.2.
Variant type: single nucleotide variant.
Coding change: c.3523C>T on transcript NM_018249.6 (MANE Select); coding-DNA position 3523, C replaced by T.
Protein change: p.His1175Tyr; replaces histidine 1175 with tyrosine.
Molecular consequence: missense variant. On other transcripts: non-coding transcript variant (5).
Genome position (GRCh38, 1-based): chr9:120,439,598, G>A on the plus strand (C>T on the coding strand, the complement: CDK5RAP2 is on the minus strand). VCF-style: chr9-120439598-G-A. GRCh37 (hg19) VCF-style: chr9-123201876-G-A.
Other names: c.3523C>T (NM_018249.4); c.3523C>T, p.His1175Tyr (NM_001011649.3); c.2833C>T, p.His945Tyr (NM_001272039.2); short protein forms H945Y, H1175Y.
Identifiers: ClinVar variation 914475 (VCV000914475.9), dbSNP rs139143441, ClinGen allele CA5213822.
Genomic context (GRCh38, chr9:120,439,598, plus strand): 5'-CAATCATCTCTGGGGCCAGCGGACCGAGGATTTTCACGTGTTTCACGTATCGCACTTGGT[G>A]CAAACTTGAAAAGGTCATTTCTTCCCCATCAGAACCATTCTTGGGCTTGCTCAAGCCATC-3'
Protein context (NP_060719.4, residues 1165-1185): DGEEMTFSSL[His1175Tyr]QVRYVKHVKI

ClinVar aggregate classification (germline): Uncertain significance. Review status: criteria provided, multiple submitters, no conflicts (2 of 4 stars). 4 submissions from 4 submitters: Uncertain significance (3). 1 of the submissions does not count toward it. Last evaluated 2024-10-28.

Conditions:
CDK5RAP2-related disorder. Also called: CDK5RAP2-related condition.
Inborn genetic diseases. Identifiers: MedGen C0950123, MeSH D030342.
Microcephaly 3, primary, autosomal recessive. Identifiers: Orphanet 2512, MedGen C1858108, MONDO:0011488, OMIM 604804.

Allele frequency attached by ClinVar (database versions not stated): gnomAD 0.00007 and 0.00008; ESP Exome Variant Server 0.00008; TOPMed 0.00009; ExAC 0.00018; gnomAD exomes 0.00019.
gnomAD v4.1: 233 of 1,614,074 alleles (0.014%); highest among the groups gnomAD compares: South Asian, 0.079%; 1 homozygote.

Submissions (4):

Ambry Genetics
Classification: Uncertain significance for Inborn genetic diseases. Last evaluated: 2024-10-28. Review status: criteria provided, single submitter. Criteria: Ambry Variant Classification Scheme 2023. Collection method: clinical testing. Allele origin: germline.

GeneDx
Classification: Uncertain significance. Last evaluated: 2023-04-04. Review status: criteria provided, single submitter. Criteria: GeneDx Variant Classification Process June 2021. Collection method: clinical testing. Allele origin: germline. Affected: yes.
Comment: In silico analysis supports that this missense variant has a deleterious effect on protein structure/function; Has not been previously published as pathogenic or benign to our knowledge

Illumina Laboratory Services, Illumina
Classification: Uncertain significance for Microcephaly 3, primary, autosomal recessive. Last evaluated: 2018-01-13. Review status: criteria provided, single submitter. Criteria: ICSL Variant Classification Criteria 13 December 2019. Collection method: clinical testing. Allele origin: germline.

PreventionGenetics, part of Exact Sciences
Classification: Uncertain significance for CDK5RAP2-related condition. Last evaluated: 2024-03-27. Review status: no assertion criteria provided. Collection method: clinical testing. Allele origin: germline. Not counted in ClinVar's aggregate classification.
Comment: The CDK5RAP2 c.3523C>T variant is predicted to result in the amino acid substitution p.His1175Tyr. To our knowledge, this variant has not been reported in the literature. This variant is reported in 0.059% of alleles in individuals of South Asian descent in gnomAD. Although we suspect that this variant may be benign, at this time, the clinical significance of this variant is uncertain due to the absence of conclusive functional and genetic evidence.